The following is an entry in ClinVar:

NM_001048174.2(MUTYH):c.1274A>C (p.Tyr425Ser)

Gene: MUTYH (mutY DNA glycosylase; minus strand). Cytogenetic location: 1p34.1.
Variant type: single nucleotide variant.
Coding change: c.1274A>C on transcript NM_001048174.2 (MANE Select); coding-DNA position 1274, A replaced by C.
Protein change: p.Tyr425Ser; replaces tyrosine 425 with serine.
Molecular consequence: missense variant. On other transcripts: non-coding transcript variant (2).
Genome position (GRCh38, 1-based): chr1:45,331,300, T>G on the plus strand (A>C on the coding strand, the complement: MUTYH is on the minus strand). VCF-style: chr1-45331300-T-G. GRCh37 (hg19) VCF-style: chr1-45796972-T-G.
Other names: c.1274A>C, p.Tyr425Ser (NM_001048171.2, NM_001048173.2, NM_001293195.2 and 6 more transcripts); c.1277A>C, p.Tyr426Ser (NM_001048172.2, NM_001407071.1, NM_001407078.1 and 1 more transcripts); c.1358A>C, p.Tyr453Ser (NM_001128425.2); c.1319A>C, p.Tyr440Ser (NM_001293190.2); c.1307A>C, p.Tyr436Ser (NM_001293191.2, NM_001407069.1, NM_001407077.1); c.998A>C, p.Tyr333Ser (NM_001293192.2, NM_001293196.2, NM_001407091.1); c.929A>C, p.Tyr310Ser (NM_001350650.2, NM_001350651.2, NM_001407082.1); c.1190A>C, p.Tyr397Ser (NM_001407075.1); and 5 more; short protein forms Y310S, Y333S, Y397S, Y436S, Y440S, Y412S, Y425S, Y426S.
Identifiers: ClinVar variation 1770733 (VCV001770733.2), dbSNP rs1553125235, ClinGen allele CA340132739.

ClinVar aggregate classification (germline): Uncertain significance (1 of 4 stars; one submission).

Conditions:
Hereditary cancer-predisposing syndrome. Also called: Hereditary Cancer Syndrome; Hereditary neoplastic syndrome; Neoplastic Syndromes, Hereditary; Tumor predisposition. Identifiers: Orphanet 140162, MedGen C0027672, MeSH D009386, MONDO:0015356.

Submission:

Ambry Genetics
Classification: Uncertain significance for Hereditary cancer-predisposing syndrome. Last evaluated: 2022-01-10. Review status: criteria provided, single submitter. Criteria: Ambry Variant Classification Scheme 2023. Collection method: clinical testing. Allele origin: germline.
Comment: The p.Y453S variant (also known as c.1358A>C), located in coding exon 14 of the MUTYH gene, results from an A to C substitution at nucleotide position 1358. The tyrosine at codon 453 is replaced by serine, an amino acid with dissimilar properties. This amino acid position is highly conserved in available vertebrate species. In addition, this alteration is predicted to be deleterious by in silico analysis. Since supporting evidence is limited at this time, the clinical significance of this alteration remains unclear.